The following is an entry in ClinVar:

NM_024757.5(EHMT1):c.2107_2111del (p.Gly703fs)

Gene: EHMT1 (euchromatic histone lysine methyltransferase 1; plus strand). Cytogenetic location: 9q34.3.
Variant type: Deletion.
Coding change: c.2107_2111del on transcript NM_024757.5 (MANE Select); coding-DNA positions 2107 to 2111, 5 bases deleted (GGGCT; older notation c.2107_2111delGGGCT).
Protein change: p.Gly703fs; shifts the reading frame from glycine 703.
Molecular consequence: frameshift variant.
Genome position (GRCh38, 1-based): chr9:137,777,970-137,777,974, GGGCT deleted; deleting any 5 consecutive bases within chr9:137,777,967-137,777,974 gives the same sequence; the c. name uses the placement nearest the transcript's 3' end. VCF-style (leftmost placement, unchanged base first): chr9-137777966-TGCTGG-T. GRCh37 (hg19) VCF-style: chr9-140672418-TGCTGG-T.
Other names: c.2107_2111del, p.Gly703fs (NM_001145527.2); c.2014_2018del, p.Gly672fs (NM_001354259.2); c.2086_2090del, p.Gly696fs (NM_001354263.2); short protein forms G672fs, G696fs, G703fs.
Identifiers: ClinVar variation 3391430 (VCV003391430.1).
Genomic context (GRCh38, chr9:137,777,966, plus strand): 5'-GGACGACAAGCTGCAGGGTGCAGCCTCCCACGTGCCCGAGGGCTTTGATCCAACGGGACC[TGCTGG>T]GCTTGGGAGGCCAACTCCCGGCCTTTCCCAGGGACCAGGGAAGGAAACCTTGGAGAGCGC-3'

ClinVar aggregate classification (germline): Pathogenic (1 of 4 stars; one submission).

Conditions:
Kleefstra syndrome 1 (KLEFS1). Identifiers: Orphanet 261494, MedGen C0795833, MONDO:0027407, OMIM 610253.

Submission:

Clinical Genetics Center, Xinhua Hospital affiliated to Shanghai Jiao Tong University School of Medicine
Classification: Pathogenic for Kleefstra syndrome 1. Last evaluated: 2024-11-01. Review status: criteria provided, single submitter. Criteria: ACMG Guidelines, 2015. Collection method: clinical testing. Allele origin: de novo. Affected: yes.
Comment: PVS1+PM6+PM2_Supporting